The following is an entry in ClinVar:

NM_001174089.2(SLC4A11):c.1992C>T (p.Ala664=)

Gene: SLC4A11 (solute carrier family 4 member 11; minus strand). Cytogenetic location: 20p13.
Variant type: single nucleotide variant.
Coding change: c.1992C>T on transcript NM_001174089.2 (MANE Select); coding-DNA position 1992, C replaced by T.
Protein change: p.Ala664=; no amino-acid change (alanine 664 retained).
Molecular consequence: synonymous variant. On other transcripts: non-coding transcript variant (1).
Genome position (GRCh38, 1-based): chr20:3,229,121, G>A on the plus strand (C>T on the coding strand, the complement: SLC4A11 is on the minus strand). VCF-style: chr20-3229121-G-A. GRCh37 (hg19) VCF-style: chr20-3209767-G-A.
Other names: c.2121C>T, p.Ala707= (NM_001174090.2); c.1878C>T, p.Ala626= (NM_001363745.2); c.2040C>T, p.Ala680= (NM_032034.4); c.2040C>T (NM_032034.3).
Identifiers: ClinVar variation 1102727 (VCV001102727.24), dbSNP rs146674129, ClinGen allele CA9741645.

ClinVar aggregate classification (germline): Likely benign. Review status: criteria provided, multiple submitters, no conflicts (2 of 4 stars). 4 submissions from 4 submitters: Likely benign (3). 1 of the submissions does not count toward it. Last evaluated 2026-09-16.

Conditions:
SLC4A11-related disorder. Also called: SLC4A11-related condition.
Corneal dystrophy-perceptive deafness syndrome (CDPD). Also called: CORNEAL DYSTROPHY AND SENSORINEURAL DEAFNESS; HARBOYAN SYNDROME. Identifiers: Orphanet 1490, MedGen C1857572, MONDO:0009015, OMIM 217400.

Allele frequency attached by ClinVar (database versions not stated): ExAC 0.00010; gnomAD 0.00010; ESP Exome Variant Server 0.00015; 1000 Genomes Project 30x 0.00016; 1000 Genomes Project 0.00020; gnomAD exomes 0.00007 and 0.00009; TOPMed 0.00007.

Submissions (4):

PreventionGenetics, part of Exact Sciences
Classification: Likely benign for SLC4A11-related condition. Last evaluated: 2026-09-16. Review status: criteria provided, single submitter. Criteria: ACMG Guidelines, 2015. Collection method: clinical testing. Allele origin: germline.
Comment: This variant is classified as likely benign based on ACMG/AMP sequence variant interpretation guidelines (Richards et al. 2015 PMID: 25741868, with internal and published modifications).

CeGaT Center for Human Genetics Tuebingen
Classification: Likely benign. Last evaluated: 2024-12-01. Review status: criteria provided, single submitter. Criteria: CeGaT Center For Human Genetics Tuebingen Variant Classification Criteria Version 2. Collection method: clinical testing. Allele origin: germline. Affected: yes. Observed: 1 variant allele.
Comment: SLC4A11: BP4, BP7

Labcorp Genetics (formerly Invitae), Labcorp
Classification: Likely benign. Last evaluated: 2024-02-14. Review status: criteria provided, single submitter. Criteria: Invitae Variant Classification Sherloc (09022015). Collection method: clinical testing. Allele origin: germline.

Natera, Inc.
Classification: Likely benign for Corneal dystrophy-perceptive deafness syndrome. Last evaluated: 2019-10-23. Review status: no assertion criteria provided. Collection method: clinical testing. Allele origin: germline. Not counted in ClinVar's aggregate classification.